The following is an entry in ClinVar:

NM_015331.3(NCSTN):c.86G>A (p.Gly29Asp)

Gene: NCSTN (nicastrin; plus strand). Cytogenetic location: 1q23.2.
Variant type: single nucleotide variant.
Coding change: c.86G>A on transcript NM_015331.3 (MANE Select); coding-DNA position 86, G replaced by A.
Protein change: p.Gly29Asp; replaces glycine 29 with aspartic acid.
Molecular consequence: missense variant.
Genome position (GRCh38, 1-based): chr1:160,344,722, G>A. VCF-style: chr1-160344722-G-A. GRCh37 (hg19) VCF-style: chr1-160314512-G-A.
Other names: c.26G>A, p.Ser9Asn (NM_001290184.2); c.86G>A, p.Gly29Asp (NM_001290186.2, NM_001349729.2); short protein forms S9N, G29D.
Identifiers: ClinVar variation 1366544 (VCV001366544.8), dbSNP rs920000413, ClinGen allele CA343275135.

ClinVar aggregate classification (germline): Uncertain significance (1 of 4 stars; one submission).

Submission:

Labcorp Genetics (formerly Invitae), Labcorp
Classification: Uncertain significance. Last evaluated: 2022-07-05. Review status: criteria provided, single submitter. Criteria: Invitae Variant Classification Sherloc (09022015). Collection method: clinical testing. Allele origin: germline.
Comment: Algorithms developed to predict the effect of missense changes on protein structure and function are either unavailable or do not agree on the potential impact of this missense change (SIFT: "Tolerated"; PolyPhen-2: "Possibly Damaging"; Align-GVGD: "Class C0"). In summary, the available evidence is currently insufficient to determine the role of this variant in disease. Therefore, it has been classified as a Variant of Uncertain Significance. ClinVar contains an entry for this variant (Variation ID: 1366544). This sequence change replaces glycine, which is neutral and non-polar, with aspartic acid, which is acidic and polar, at codon 29 of the NCSTN protein (p.Gly29Asp). This variant is not present in population databases (gnomAD no frequency). This variant has not been reported in the literature in individuals affected with NCSTN-related conditions.